The following is an entry in ClinVar:

NM_015135.3(NUP205):c.1361C>G (p.Pro454Arg)

Gene: NUP205 (nucleoporin 205; plus strand). Cytogenetic location: 7q33.
Variant type: single nucleotide variant.
Coding change: c.1361C>G on transcript NM_015135.3 (MANE Select); coding-DNA position 1361, C replaced by G.
Protein change: p.Pro454Arg; replaces proline 454 with arginine.
Molecular consequence: missense variant.
Genome position (GRCh38, 1-based): chr7:135,587,880, C>G. VCF-style: chr7-135587880-C-G. GRCh37 (hg19) VCF-style: chr7-135272628-C-G.
Other names: c.287C>G, p.Pro96Arg (NM_001329434.2); short protein forms P96R, P454R.
Identifiers: ClinVar variation 1910944 (VCV001910944.5), dbSNP rs1489921860, ClinGen allele CA369356952.

ClinVar aggregate classification (germline): Uncertain significance (1 of 4 stars; one submission).

Allele frequency attached by ClinVar (database versions not stated): gnomAD 0.00001; TOPMed 0.00001.

Submission:

Labcorp Genetics (formerly Invitae), Labcorp
Classification: Uncertain significance. Last evaluated: 2022-07-14. Review status: criteria provided, single submitter. Criteria: Invitae Variant Classification Sherloc (09022015). Collection method: clinical testing. Allele origin: germline.
Comment: Algorithms developed to predict the effect of missense changes on protein structure and function are either unavailable or do not agree on the potential impact of this missense change (SIFT: "Tolerated"; PolyPhen-2: "Probably Damaging"; Align-GVGD: "Class C0"). This variant has not been reported in the literature in individuals affected with NUP205-related conditions. This variant is present in population databases (no rsID available, gnomAD 0.01%). This sequence change replaces proline, which is neutral and non-polar, with arginine, which is basic and polar, at codon 454 of the NUP205 protein (p.Pro454Arg). In summary, the available evidence is currently insufficient to determine the role of this variant in disease. Therefore, it has been classified as a Variant of Uncertain Significance.